The following is an entry in ClinVar:

ClinVar aggregate classification (germline): Uncertain significance (1 of 4 stars; one submission).

gnomAD v4.1: 10 of 1,614,136 alleles (0.00062%); highest among the groups gnomAD compares: Admixed American, 0.005%; no homozygotes.

Submission:

Labcorp Genetics (formerly Invitae), Labcorp
Classification: Uncertain significance. Last evaluated: 2024-03-09. Review status: criteria provided, single submitter. Criteria: Invitae Variant Classification Sherloc (09022015). Collection method: clinical testing. Allele origin: germline.
Comment: This sequence change replaces glutamine, which is neutral and polar, with glutamic acid, which is acidic and polar, at codon 206 of the CUL7 protein (p.Gln206Glu). This variant is present in population databases (rs537445794, gnomAD 0.006%). This variant has not been reported in the literature in individuals affected with CUL7-related conditions. An algorithm developed to predict the effect of missense changes on protein structure and function (PolyPhen-2) suggests that this variant is likely to be disruptive. In summary, the available evidence is currently insufficient to determine the role of this variant in disease. Therefore, it has been classified as a Variant of Uncertain Significance.

NM_014780.5(CUL7):c.616C>G (p.Gln206Glu)

Gene: CUL7 (cullin 7; minus strand). Cytogenetic location: 6p21.1.
Variant type: single nucleotide variant.
Coding change: c.616C>G on transcript NM_014780.5 (MANE Select); coding-DNA position 616, C replaced by G.
Protein change: p.Gln206Glu; replaces glutamine 206 with glutamic acid.
Molecular consequence: missense variant.
Genome position (GRCh38, 1-based): chr6:43,051,728, G>C on the plus strand (C>G on the coding strand, the complement: CUL7 is on the minus strand). VCF-style: chr6-43051728-G-C. GRCh37 (hg19) VCF-style: chr6-43019466-G-C.
Other names: c.712C>G, p.Gln238Glu (NM_001168370.2, NM_001374872.1); c.616C>G, p.Gln206Glu (NM_001374873.1, NM_001374874.1); short protein forms Q206E, Q238E.
Identifiers: ClinVar variation 3624911 (VCV003624911.2).
Genomic context (GRCh38, chr6:43,051,728, plus strand): 5'-CAAACAGTGCTAGCAGAGCACAGCGGCTGTCAAAATCCAGGTGTTTCTCAATGGCTTCTT[G>C]TTGGCTCAGTGACAGAAGGATCTGAGTCCGGGTCCCTGTAACCCACACCCCAGTTGGTAA-3'
Protein context (NP_055595.2, residues 196-216): RTQILLSLSQ[Gln206Glu]EAIEKHLDFD